The following is an entry in ClinVar:

NM_022834.5(VWA1):c.904C>T (p.Arg302Trp)

Gene: VWA1 (von Willebrand factor A domain containing 1; plus strand). Cytogenetic location: 1p36.33.
Variant type: single nucleotide variant.
Coding change: c.904C>T on transcript NM_022834.5 (MANE Select); coding-DNA position 904, C replaced by T.
Protein change: p.Arg302Trp; replaces arginine 302 with tryptophan.
Molecular consequence: missense variant. On other transcripts: 3 prime UTR variant (1).
Genome position (GRCh38, 1-based): chr1:1,439,353, C>T. VCF-style: chr1-1439353-C-T. GRCh37 (hg19) VCF-style: chr1-1374733-C-T.
Other names: p.Arg302Trp; c.*314C>T (NM_199121.3); short protein forms R302W.
Identifiers: ClinVar variation 3893338 (VCV003893338.3).
Genomic context (GRCh38, chr1:1,439,353, plus strand): 5'-GCGCTAGTGCCTGAGTCCAACGTGCGCCTCCTGAGGCCCCAGATCCTGCGGGTGCGCACG[C>T]GGCCCGGTGAGGCAGGGCCGGGGGCTTCGGGCCCGGAGTCGGGGGCTGGGCCGGCCCCCA-3'
Protein context (NP_073745.2, residues 292-312): LRPQILRVRT[Arg302Trp]PGEAGPGASG

ClinVar aggregate classification (germline): Likely benign. Review status: criteria provided, multiple submitters, no conflicts (2 of 4 stars). 3 submissions from 3 submitters: Likely benign (3). Last evaluated 2025-12-07.

Submissions (3):

Mayo Clinic Laboratories, Mayo Clinic
Classification: Likely benign. Last evaluated: 2025-12-07. Review status: criteria provided, single submitter. Criteria: ACMG Guidelines, 2015. Collection method: clinical testing. Allele origin: germline. Observed: 1 variant allele.
Comment: BS1, BP4_moderate

Women's Health and Genetics/Laboratory Corporation of America, LabCorp
Classification: Likely benign. Last evaluated: 2025-10-06. Review status: criteria provided, single submitter. Criteria: LabCorp Variant Classification Summary - May 2015. Collection method: clinical testing. Allele origin: germline.
Comment: Variant summary: VWA1 c.904C>T (p.Arg302Trp) results in a non-conservative amino acid change in the encoded protein sequence. Algorithms developed to predict the effect of missense changes on protein structure and function are either unavailable or do not agree on the potential impact of this missense change. The variant allele was found at a frequency of 0.00082 in 148324 control chromosomes, predominantly at a frequency of 0.0047 within the Latino subpopulation in the gnomAD database. The observed variant frequency within Latino control individuals in the gnomAD database exceeds the estimated maximal expected allele frequency for disease-causing variants in VWA1. To our knowledge, no occurrence of c.904C>T in individuals affected with VWA1-related conditions and no experimental evidence demonstrating its impact on protein function have been reported. ClinVar contains an entry for this variant (Variation ID: 3893338). Based on the evidence outlined above, the variant was classified as likely benign.

GeneDx
Classification: Likely benign. Last evaluated: 2025-04-29. Review status: criteria provided, single submitter. Criteria: GeneDx Variant Classification Process June 2021. Collection method: clinical testing. Allele origin: germline. Affected: yes.
Comment: In silico analysis indicates that this missense variant does not alter protein structure/function; Has not been previously published as pathogenic or benign to our knowledge